The following is an entry in ClinVar:

NM_207361.6(FREM2):c.1879G>A (p.Gly627Ser)

Gene: FREM2 (FRAS1 related extracellular matrix 2; plus strand). Cytogenetic location: 13q13.3.
Variant type: single nucleotide variant.
Coding change: c.1879G>A on transcript NM_207361.6 (MANE Select); coding-DNA position 1879, G replaced by A.
Protein change: p.Gly627Ser; replaces glycine 627 with serine.
Molecular consequence: missense variant.
Genome position (GRCh38, 1-based): chr13:38,689,223, G>A. VCF-style: chr13-38689223-G-A. GRCh37 (hg19) VCF-style: chr13-39263360-G-A.
Other names: c.1879G>A (NM_207361.4); short protein forms G627S.
Identifiers: ClinVar variation 2172931 (VCV002172931.2), dbSNP rs199661318, ClinGen allele CA6954500.
Genomic context (GRCh38, chr13:38,689,223, plus strand): 5'-ACGGGGCATCTGCTTCTCCGCCAAACTCACCCTCCCCATGAGAAGCAGGAACTTCTCAGA[G>A]GCCTTTGGAGGAAGGAGGGGGCATTTTATGAGCGAACAGTGACAGAGTGGCAGCAGCAGG-3'
Protein context (NP_997244.4, residues 617-637): PPHEKQELLR[Gly627Ser]LWRKEGAFYE

ClinVar aggregate classification (germline): Uncertain significance. Review status: criteria provided, multiple submitters, no conflicts (2 of 4 stars). 2 submissions from 2 submitters: Uncertain significance (2). Last evaluated 2024-06-04.

Conditions:
Inborn genetic diseases. Identifiers: MedGen C0950123, MeSH D030342.

Allele frequency attached by ClinVar (database versions not stated): ExAC 0.00007; ESP Exome Variant Server 0.00008; gnomAD exomes 0.00009; gnomAD 0.00017; TOPMed 0.00030; 1000 Genomes Project 0.00040; 1000 Genomes Project 30x 0.00062.
gnomAD v4.1: 158 of 1,614,100 alleles (0.0098%); highest among the groups gnomAD compares: Admixed American, 0.1%; no homozygotes.

Submissions (2):

Ambry Genetics
Classification: Uncertain significance for Inborn genetic diseases. Last evaluated: 2024-06-04. Review status: criteria provided, single submitter. Criteria: Ambry Variant Classification Scheme 2023. Collection method: clinical testing. Allele origin: germline.

Labcorp Genetics (formerly Invitae), Labcorp
Classification: Uncertain significance. Last evaluated: 2022-05-05. Review status: criteria provided, single submitter. Criteria: Invitae Variant Classification Sherloc (09022015). Collection method: clinical testing. Allele origin: germline.
Comment: This sequence change replaces glycine, which is neutral and non-polar, with serine, which is neutral and polar, at codon 627 of the FREM2 protein (p.Gly627Ser). This variant is present in population databases (rs199661318, gnomAD 0.07%). This variant has not been reported in the literature in individuals affected with FREM2-related conditions. Algorithms developed to predict the effect of missense changes on protein structure and function output the following: SIFT: "Tolerated"; PolyPhen-2: "Benign"; Align-GVGD: "Class C0". The serine amino acid residue is found in multiple mammalian species, which suggests that this missense change does not adversely affect protein function. In summary, the available evidence is currently insufficient to determine the role of this variant in disease. Therefore, it has been classified as a Variant of Uncertain Significance.